The following is an entry in ClinVar:

ClinVar aggregate classification (germline): Benign/Likely benign. Review status: criteria provided, multiple submitters, no conflicts (2 of 4 stars). 4 submissions from 4 submitters: Benign (1); Likely benign (3). Last evaluated 2025-07-18.

Conditions:
IMPG1-related disorder. Also called: IMPG1-related condition.
Retinal dystrophy. Also called: Inherited retinal dystrophy. Identifiers: Orphanet 71862, MedGen C0854723, MeSH D058499, MONDO:0019118, HP:0000556.

Allele frequency attached by ClinVar (database versions not stated): gnomAD 0.00005 and 0.00009; TOPMed 0.00011; ExAC 0.00014; ESP Exome Variant Server 0.00023; 1000 Genomes Project 30x 0.00031; 1000 Genomes Project 0.00040.
gnomAD v4.1: 122 of 1,589,726 alleles (0.0077%); highest among the groups gnomAD compares: East Asian, 0.13%; 1 homozygote.

Submissions (4):

PreventionGenetics, part of Exact Sciences
Classification: Likely benign for IMPG1-related condition. Last evaluated: 2025-07-18. Review status: criteria provided, single submitter. Criteria: ACMG Guidelines, 2015. Collection method: clinical testing. Allele origin: germline.
Comment: This variant is classified as likely benign based on ACMG/AMP sequence variant interpretation guidelines (Richards et al. 2015 PMID: 25741868, with internal and published modifications).

Labcorp Genetics (formerly Invitae), Labcorp
Classification: Likely benign. Last evaluated: 2025-04-04. Review status: criteria provided, single submitter. Criteria: Invitae Variant Classification Sherloc (09022015). Collection method: clinical testing. Allele origin: germline.

Blueprint Genetics
Classification: Likely benign. Last evaluated: 2023-10-20. Review status: criteria provided, single submitter. Criteria: ACMG Guidelines, 2015. Collection method: clinical testing. Allele origin: germline.

Dept Of Ophthalmology, Nagoya University
Classification: Benign for Retinal dystrophy. Last evaluated: 2023-10-01. Review status: criteria provided, single submitter. Criteria: Submitter's publication. Collection method: research. Allele origin: germline. Affected: yes.

NM_001563.4(IMPG1):c.684C>T (p.Phe228=)

Gene: IMPG1 (interphotoreceptor matrix proteoglycan 1; minus strand). Cytogenetic location: 6q14.1.
Variant type: single nucleotide variant.
Coding change: c.684C>T on transcript NM_001563.4 (MANE Select); coding-DNA position 684, C replaced by T.
Protein change: p.Phe228=; no amino-acid change (phenylalanine 228 retained).
Molecular consequence: synonymous variant.
Genome position (GRCh38, 1-based): chr6:76,018,841, G>A on the plus strand (C>T on the coding strand, the complement: IMPG1 is on the minus strand). VCF-style: chr6-76018841-G-A. GRCh37 (hg19) VCF-style: chr6-76728558-G-A.
Other names: c.450C>T, p.Phe150= (NM_001282368.2); c.684C>T (NM_001563.3).
Identifiers: ClinVar variation 1568910 (VCV001568910.11), dbSNP rs201624566, ClinGen allele CA3898368.